The following is an entry in ClinVar:

ClinVar aggregate classification (germline): Likely benign. Review status: criteria provided, multiple submitters, no conflicts (2 of 4 stars). 2 submissions from 2 submitters: Likely benign (2). Last evaluated 2024-11-01.

gnomAD v4.1: 64 of 1,612,412 alleles (0.004%); highest among the groups gnomAD compares: South Asian, 0.018%; no homozygotes.

Submissions (2):

CeGaT Center for Human Genetics Tuebingen
Classification: Likely benign. Last evaluated: 2024-11-01. Review status: criteria provided, single submitter. Criteria: CeGaT Center For Human Genetics Tuebingen Variant Classification Criteria Version 2. Collection method: clinical testing. Allele origin: germline. Affected: yes. Observed: 1 variant allele.
Comment: NTRK2: BP4, BP7

Labcorp Genetics (formerly Invitae), Labcorp
Classification: Likely benign. Last evaluated: 2024-07-01. Review status: criteria provided, single submitter. Criteria: Invitae Variant Classification Sherloc (09022015). Collection method: clinical testing. Allele origin: germline.

NM_006180.6(NTRK2):c.420G>A (p.Leu140=)

Gene: NTRK2 (neurotrophic receptor tyrosine kinase 2; plus strand). Cytogenetic location: 9q21.33.
Variant type: single nucleotide variant.
Coding change: c.420G>A on transcript NM_006180.6 (MANE Select); coding-DNA position 420, G replaced by A.
Protein change: p.Leu140=; no amino-acid change (leucine 140 retained).
Molecular consequence: synonymous variant. On other transcripts: 5 prime UTR variant (5).
Genome position (GRCh38, 1-based): chr9:84,707,904, G>A. VCF-style: chr9-84707904-G-A. GRCh37 (hg19) VCF-style: chr9-87322819-G-A.
Other names: c.420G>A, p.Leu140= (NM_001007097.3, NM_001018064.3, NM_001018065.2 and 18 more transcripts); c.-49G>A (NM_001369535.1, NM_001369536.1, NM_001369550.1 and 2 more transcripts).
Identifiers: ClinVar variation 1645775 (VCV001645775.22), dbSNP rs150692457, ClinGen allele CA5105493.